The following is an entry in ClinVar:

ClinVar aggregate classification (germline): Likely benign (1 of 4 stars; one submission).

gnomAD v4.1: 1 of 1,614,100 alleles (0.000062%); highest among the groups gnomAD compares: African/African-American, 0.0013%; no homozygotes.

Submission:

CeGaT Center for Human Genetics Tuebingen
Classification: Likely benign. Last evaluated: 2025-02-01. Review status: criteria provided, single submitter. Criteria: CeGaT Center For Human Genetics Tuebingen Variant Classification Criteria Version 2. Collection method: clinical testing. Allele origin: germline. Affected: yes. Observed: 1 variant allele.
Comment: CHCHD6: BP4, BP7

NM_032343.3(CHCHD6):c.345C>T (p.His115=)

Gene: CHCHD6 (coiled-coil-helix-coiled-coil-helix domain containing 6; plus strand). Cytogenetic location: 3q21.3.
Variant type: single nucleotide variant.
Coding change: c.345C>T on transcript NM_032343.3 (MANE Select); coding-DNA position 345, C replaced by T.
Protein change: p.His115=; no amino-acid change (histidine 115 retained).
Molecular consequence: synonymous variant.
Genome position (GRCh38, 1-based): chr3:126,733,156, C>T. VCF-style: chr3-126733156-C-T. GRCh37 (hg19) VCF-style: chr3-126451999-C-T.
Other names: c.345C>T, p.His115= (NM_001320610.2).
Identifiers: ClinVar variation 3772610 (VCV003772610.13).